The following is an entry in ClinVar:

NM_000051.4(ATM):c.4494A>C (p.Leu1498Phe)

Gene: ATM (ATM serine/threonine kinase; plus strand). Cytogenetic location: 11q22.3.
Variant type: single nucleotide variant.
Coding change: c.4494A>C on transcript NM_000051.4 (MANE Select); coding-DNA position 4494, A replaced by C.
Protein change: p.Leu1498Phe; replaces leucine 1498 with phenylalanine.
Molecular consequence: missense variant.
Genome position (GRCh38, 1-based): chr11:108,292,676, A>C. VCF-style: chr11-108292676-A-C. GRCh37 (hg19) VCF-style: chr11-108163403-A-C.
Other names: c.4494A>C, p.Leu1498Phe (NM_001351834.2); short protein forms L1498F.
Identifiers: ClinVar variation 418855 (VCV000418855.12), dbSNP rs1064793476, ClinGen allele CA16619181.
Genomic context (GRCh38, chr11:108,292,676, plus strand): 5'-TAGGCCTTCTTGTATCATGGATGTGTCATTACGTAGCTTCTCCCTTTGTTGTGACTTATT[A>C]AGTCAGGTTTGCCAGACAGCCGTGACTTACTGTAAGGATGCTCTAGAAAACCATCTTCAT-3'
Protein context (NP_000042.3, residues 1488-1508): LRSFSLCCDL[Leu1498Phe]SQVCQTAVTY

ClinVar aggregate classification (germline): Uncertain significance. Review status: criteria provided, multiple submitters, no conflicts (2 of 4 stars). 6 submissions from 6 submitters: Uncertain significance (5). 1 of the submissions does not count toward it. Last evaluated 2025-05-07.

Conditions:
Hereditary cancer-predisposing syndrome. Also called: Hereditary neoplastic syndrome; Hereditary Cancer Syndrome; Neoplastic Syndromes, Hereditary; Tumor predisposition. Identifiers: Orphanet 140162, MedGen C0027672, MeSH D009386, MONDO:0015356.
Ataxia-telangiectasia syndrome (AT). Also called: Ataxia-telangiectasia, complementation group D; Cerebello-oculocutaneous telangiectasia; Immunodeficiency with ataxia telangiectasia; ATAXIA-TELANGIECTASIA, COMPLEMENTATION GROUP A; ATAXIA-TELANGIECTASIA, FRESNO VARIANT; LOUIS-BAR SYNDROME. Identifiers: Orphanet 100, MedGen C0004135, MONDO:0008840, OMIM 208900.
Familial cancer of breast. Also called: hereditary breast carcinoma; Hereditary breast cancer; BREAST CANCER, FAMILIAL. Identifiers: Orphanet 227535, MedGen C0346153, MONDO:0016419, OMIM 114480. Disease mechanism: loss of function.

Allele frequency attached by ClinVar (database versions not stated): gnomAD exomes 0.00001.
gnomAD v4.1: 7 of 1,613,864 alleles (0.00043%); highest among the groups gnomAD compares: Non-Finnish European, 0.00059%; no homozygotes.

Submissions (6):

Color Diagnostics, LLC DBA Color Health
Classification: Uncertain significance for Hereditary cancer-predisposing syndrome. Last evaluated: 2025-05-07. Review status: criteria provided, single submitter. Criteria: ACMG Guidelines, 2015. Collection method: clinical testing. Allele origin: germline.
Comment: This missense variant replaces leucine with phenylalanine at codon 1498 of the ATM protein. Computational prediction is inconclusive regarding the impact of this variant on protein structure and function. To our knowledge, functional studies have not been reported for this variant. This variant has not been reported in individuals affected with ATM-related disorders in the literature. This variant has not been identified in the general population by the Genome Aggregation Database (gnomAD). The available evidence is insufficient to determine the role of this variant in disease conclusively. Therefore, this variant is classified as a Variant of Uncertain Significance.

Ambry Genetics
Classification: Uncertain significance for Hereditary cancer-predisposing syndrome. Last evaluated: 2023-12-14. Review status: criteria provided, single submitter. Criteria: Ambry Variant Classification Scheme 2023. Collection method: clinical testing. Allele origin: germline.
Comment: The p.L1498F variant (also known as c.4494A>C), located in coding exon 29 of the ATM gene, results from an A to C substitution at nucleotide position 4494. The leucine at codon 1498 is replaced by phenylalanine, an amino acid with highly similar properties. This amino acid position is conserved. In addition, the in silico prediction for this alteration is inconclusive. Since supporting evidence is limited at this time, the clinical significance of this alteration remains unclear.

Labcorp Genetics (formerly Invitae), Labcorp
Classification: Uncertain significance for Ataxia-telangiectasia syndrome. Last evaluated: 2023-01-28. Review status: criteria provided, single submitter. Criteria: Invitae Variant Classification Sherloc (09022015). Collection method: clinical testing. Allele origin: germline.
Comment: This sequence change replaces leucine, which is neutral and non-polar, with phenylalanine, which is neutral and non-polar, at codon 1498 of the ATM protein (p.Leu1498Phe). This variant is not present in population databases (gnomAD no frequency). This variant has not been reported in the literature in individuals affected with ATM-related conditions. ClinVar contains an entry for this variant (Variation ID: 418855). Algorithms developed to predict the effect of missense changes on protein structure and function are either unavailable or do not agree on the potential impact of this missense change (SIFT: "Deleterious"; PolyPhen-2: "Probably Damaging"; Align-GVGD: "Class C15"). Algorithms developed to predict the effect of sequence changes on RNA splicing suggest that this variant may create or strengthen a splice site. In summary, the available evidence is currently insufficient to determine the role of this variant in disease. Therefore, it has been classified as a Variant of Uncertain Significance.

Fulgent Genetics
Classification: Uncertain significance for Familial cancer of breast; Ataxia-telangiectasia syndrome. Last evaluated: 2021-10-13. Review status: criteria provided, single submitter. Criteria: ACMG Guidelines, 2015. Collection method: clinical testing. Allele origin: unknown.

GeneDx
Classification: Uncertain significance. Last evaluated: 2015-04-09. Review status: criteria provided, single submitter. Criteria: GeneDx Variant Classification (06012015). Collection method: clinical testing. Allele origin: germline. Affected: yes.
Comment: This variant is denoted ATM c.4494A>C at the cDNA level, p.Leu1498Phe (L1498F) at the protein level, and results in the change of a Leucine to a Phenylalanine (TTA>TTC). This variant has not, to our knowledge, been published in the literature as pathogenic or benign. ATM Leu1498Phe was not observed in approximately 6,500 individuals of European and African American ancestry in the NHLBI Exome Sequencing Project, indicating it is not a common benign variant in these populations. Since Leucine and Phenylalanine share similar properties, this is considered a conservative amino acid substitution. ATM Leu1498Phe occurs at a position that is conserved across species and is not located within a known functional domain (Uniprot). In silico analyses are inconsistent regarding the effect this variant may have on protein structure and function. Based on currently available information, it is unclear whether ATM Leu1498Phe is pathogenic or benign. We consider it to be a variant of uncertain significance.

Natera, Inc.
Classification: Uncertain significance for Ataxia-telangiectasia. Last evaluated: 2021-08-31. Review status: no assertion criteria provided. Collection method: clinical testing. Allele origin: germline. Not counted in ClinVar's aggregate classification.